The following is an entry in ClinVar:

ClinVar aggregate classification (germline): Uncertain significance (1 of 4 stars; one submission).

Conditions:
Hereditary spastic paraplegia 50 (SPG50). Also called: Spastic paraplegia 50, autosomal recessive. Identifiers: Orphanet 280763, MedGen C2752008, MONDO:0013048, OMIM 612936.

Allele frequency attached by ClinVar (database versions not stated): TOPMed below 0.00001.

Submission:

Labcorp Genetics (formerly Invitae), Labcorp
Classification: Uncertain significance for Hereditary spastic paraplegia 50. Last evaluated: 2020-12-29. Review status: criteria provided, single submitter. Criteria: Invitae Variant Classification Sherloc (09022015). Collection method: clinical testing. Allele origin: germline.
Comment: In summary, the available evidence is currently insufficient to determine the role of this variant in disease. Therefore, it has been classified as a Variant of Uncertain Significance. Algorithms developed to predict the effect of missense changes on protein structure and function (SIFT, PolyPhen-2, Align-GVGD) all suggest that this variant is likely to be disruptive, but these predictions have not been confirmed by published functional studies and their clinical significance is uncertain. This variant has not been reported in the literature in individuals with AP4M1-related conditions. This variant is not present in population databases (ExAC no frequency). This sequence change replaces proline with serine at codon 76 of the AP4M1 protein (p.Pro76Ser). The proline residue is highly conserved and there is a moderate physicochemical difference between proline and serine.

NM_004722.4(AP4M1):c.226C>T (p.Pro76Ser)

Gene: AP4M1 (adaptor related protein complex 4 subunit mu 1; plus strand). Cytogenetic location: 7q22.1.
Variant type: single nucleotide variant.
Coding change: c.226C>T on transcript NM_004722.4 (MANE Select); coding-DNA position 226, C replaced by T.
Protein change: p.Pro76Ser; replaces proline 76 with serine.
Molecular consequence: missense variant.
Genome position (GRCh38, 1-based): chr7:100,102,753, C>T. VCF-style: chr7-100102753-C-T. GRCh37 (hg19) VCF-style: chr7-99700376-C-T.
Other names: c.247C>T, p.Pro83Ser (NM_001363671.2); short protein forms P83S, P76S.
Identifiers: ClinVar variation 1464726 (VCV001464726.9), dbSNP rs1796159168, ClinGen allele CA368464759.